The following is an entry in ClinVar:

NM_015046.7(SETX):c.4965G>A (p.Ser1655=)

Gene: SETX (senataxin; minus strand). Cytogenetic location: 9q34.13.
Variant type: single nucleotide variant.
Coding change: c.4965G>A on transcript NM_015046.7 (MANE Select); coding-DNA position 4965, G replaced by A.
Protein change: p.Ser1655=; no amino-acid change (serine 1655 retained).
Molecular consequence: synonymous variant.
Genome position (GRCh38, 1-based): chr9:132,326,633, C>T on the plus strand (G>A on the coding strand, the complement: SETX is on the minus strand). VCF-style: chr9-132326633-C-T. GRCh37 (hg19) VCF-style: chr9-135202020-C-T.
Other names: c.4965G>A, p.Ser1655= (NM_001351527.2, NM_001351528.2).
Identifiers: ClinVar variation 3051540 (VCV003051540.10), dbSNP rs148835280, ClinGen allele CA5297101.

ClinVar aggregate classification (germline): Benign/Likely benign. Review status: criteria provided, multiple submitters, no conflicts (2 of 4 stars). 3 submissions from 3 submitters: Benign (1); Likely benign (1). 1 of the submissions does not count toward it. Last evaluated 2025-09-01.

Conditions:
SETX-related disorder. Also called: SETX-related condition; SETX-related disorders. Identifiers: MedGen CN239403.
Spinocerebellar ataxia, autosomal recessive, with axonal neuropathy 2 (SCAN2). Also called: ATAXIA-OCULOMOTOR APRAXIA 2; Ataxia-ocular apraxia-2; Ataxia with Oculomotor Apraxia Type 2; Ataxia with Oculomotor Apraxia. Identifiers: Orphanet 64753, MedGen C1853761, MONDO:0018996, OMIM 606002.
Amyotrophic lateral sclerosis type 4 (ALS4). Also called: AMYOTROPHIC LATERAL SCLEROSIS 4, JUVENILE; NEURONOPATHY, DISTAL HEREDITARY MOTOR, WITH PYRAMIDAL FEATURES. Identifiers: Orphanet 357043, MedGen C1865409, MONDO:0011223, OMIM 602433.

Allele frequency attached by ClinVar (database versions not stated): gnomAD 0.00001; gnomAD exomes 0.00001; TOPMed 0.00001; ExAC 0.00002; ESP Exome Variant Server 0.00008.
gnomAD v4.1: 17 of 1,614,070 alleles (0.0011%); highest among the groups gnomAD compares: Non-Finnish European, 0.0013%; no homozygotes.

Submissions (3):

CeGaT Center for Human Genetics Tuebingen
Classification: Likely benign. Last evaluated: 2025-09-01. Review status: criteria provided, single submitter. Criteria: CeGaT Center For Human Genetics Tuebingen Variant Classification Criteria Version 2. Collection method: clinical testing. Allele origin: germline. Affected: yes. Observed: 1 variant allele.
Comment: SETX: BP4, BP7

Labcorp Genetics (formerly Invitae), Labcorp
Classification: Benign for Amyotrophic lateral sclerosis type 4; Spinocerebellar ataxia, autosomal recessive, with axonal neuropathy 2. Last evaluated: 2025-07-26. Review status: criteria provided, single submitter. Criteria: Invitae Variant Classification Sherloc (09022015). Collection method: clinical testing. Allele origin: germline.

PreventionGenetics, part of Exact Sciences
Classification: Likely benign for SETX-related condition. Last evaluated: 2023-10-11. Review status: no assertion criteria provided. Collection method: clinical testing. Allele origin: germline. Not counted in ClinVar's aggregate classification.
Comment: This variant is classified as likely benign based on ACMG/AMP sequence variant interpretation guidelines (Richards et al. 2015 PMID: 25741868, with internal and published modifications).